The following is an entry in ClinVar:

NM_002103.5(GYS1):c.1890G>A (p.Ala630=)

Gene: GYS1 (glycogen synthase 1; minus strand). Cytogenetic location: 19q13.33.
Variant type: single nucleotide variant.
Coding change: c.1890G>A on transcript NM_002103.5 (MANE Select); coding-DNA position 1890, G replaced by A.
Protein change: p.Ala630=; no amino-acid change (alanine 630 retained).
Molecular consequence: synonymous variant. On other transcripts: non-coding transcript variant (1).
Genome position (GRCh38, 1-based): chr19:48,969,775, C>T on the plus strand (G>A on the coding strand, the complement: GYS1 is on the minus strand). VCF-style: chr19-48969775-C-T. GRCh37 (hg19) VCF-style: chr19-49473032-C-T.
Other names: c.1698G>A, p.Ala566= (NM_001161587.2).
Identifiers: ClinVar variation 845147 (VCV000845147.7), dbSNP rs142457302, ClinGen allele CA9562754.

ClinVar aggregate classification (germline): Uncertain significance. Review status: criteria provided, multiple submitters, no conflicts (2 of 4 stars). 2 submissions from 2 submitters: Uncertain significance (2). Last evaluated 2025-10-02.

Conditions:
Glycogen storage disease due to muscle and heart glycogen synthase deficiency. Also called: GSD 0b; MUSCLE GLYCOGEN SYNTHASE DEFICIENCY. Identifiers: Orphanet 137625, MedGen C1969054, MONDO:0012693, OMIM 611556.

Allele frequency attached by ClinVar (database versions not stated): gnomAD exomes below 0.00001; ExAC 0.00002; ESP Exome Variant Server 0.00008; gnomAD 0.00018 and 0.00019; TOPMed 0.00026.
gnomAD v4.1: 54 of 1,613,524 alleles (0.0033%); highest among the groups gnomAD compares: Admixed American, 0.045%; 2 homozygotes.

Submissions (4):

Labcorp Genetics (formerly Invitae), Labcorp
Classification: Uncertain significance for Glycogen storage disease due to muscle and heart glycogen synthase deficiency. Last evaluated: 2025-10-02. Review status: criteria provided, single submitter. Criteria: Invitae Variant Classification Sherloc (09022015). Collection method: clinical testing. Allele origin: germline.
Comment: This sequence change affects codon 630 of the GYS1 mRNA. It is a 'silent' change, meaning that it does not change the encoded amino acid sequence of the GYS1 protein. This variant also falls at the last nucleotide of exon 15, which is part of the consensus splice site for this exon. The frequency data for this variant in the population databases is considered unreliable, as metrics indicate poor data quality at this position in the gnomAD database. This variant has not been reported in the literature in individuals affected with GYS1-related conditions. ClinVar contains an entry for this variant (Variation ID: 845147). Variants that disrupt the consensus splice site are a relatively common cause of aberrant splicing (PMID: 17576681, 9536098). Algorithms developed to predict the effect of sequence changes on RNA splicing suggest that this variant is not likely to affect RNA splicing. In summary, the available evidence is currently insufficient to determine the role of this variant in disease. Therefore, it has been classified as a Variant of Uncertain Significance.

Women's Health and Genetics/Laboratory Corporation of America, LabCorp
Classification: Uncertain significance. Last evaluated: 2023-11-08. Review status: criteria provided, single submitter. Criteria: LabCorp Variant Classification Summary - May 2015. Collection method: clinical testing. Allele origin: germline.
Comment: Variant summary: GYS1 c.1890G>A (p.Ala630Ala) alters a non-conserved nucleotide located close to a canonical splice site and therefore could affect mRNA splicing, leading to a significantly altered protein sequence. Several computational tools predict a significant impact on normal splicing: Four predict the variant weakens a canonical 5' splicing donor site. However, these predictions have yet to be confirmed by functional studies. The variant allele was found at a frequency of 4e-06 in 251062 control chromosomes (gnomAD). The available data on variant occurrences in the general population are insufficient to allow any conclusion about variant significance. To our knowledge, no occurrence of c.1890G>A in individuals affected with Glycogen Storage Disease Due To Muscle And Heart Glycogen Synthase Deficiency and no experimental evidence demonstrating its impact on protein function have been reported. One submitter has cited a clinical-significance assessment for this variant to ClinVar after 2014 and has classified the variant as uncertain significance. Based on the evidence outlined above, the variant was classified as uncertain significance.

Dr. Peter K. Rogan Lab, Western University
No classification provided (evidence only). Condition: Thyroid cancer, nonmedullary, 1. Review status: no classification provided. Collection method: in vitro. Allele origin: not applicable. Functional consequence: retained intron. Not counted in ClinVar's aggregate classification.

Dr. Peter K. Rogan Lab, Western University
No classification provided (evidence only). Condition: Sarcoma. Review status: no classification provided. Collection method: in vitro. Allele origin: not applicable. Functional consequence: retained intron. Not counted in ClinVar's aggregate classification.

Literature cited by the submitters: PubMed 17576681 (cited by Labcorp Genetics (formerly Invitae), Labcorp); PubMed 9536098 (cited by Labcorp Genetics (formerly Invitae), Labcorp).